The following is an entry in ClinVar:

ClinVar aggregate classification (germline): Likely pathogenic (1 of 4 stars; one submission).

Conditions:
Primary ciliary dyskinesia 7. Also called: CILIARY DYSKINESIA, PRIMARY, 7, WITH OR WITHOUT SITUS INVERSUS. Identifiers: Orphanet 244, MedGen C2678473, MONDO:0012748, OMIM 611884.

Submission:

Victorian Clinical Genetics Services, Murdoch Childrens Research Institute
Classification: Likely pathogenic for Primary ciliary dyskinesia 7. Last evaluated: 2021-05-06. Review status: criteria provided, single submitter. Criteria: ACMG Guidelines, 2015. Collection method: clinical testing. Allele origin: germline. Inheritance: Autosomal recessive inheritance. Affected: yes.
Comment: Based on the classification scheme VCGS_Germline_v1.3.4, this variant is classified as Likely Pathogenic. Following criteria are met: 0102 - Loss of function is a known mechanism of disease in this gene and is associated with primary ciliary dyskinesia with or without situs inversus (MIM#611884). (I) 0106 - This gene is associated with autosomal recessive disease. (I) 0200 - Variant is predicted to result in a missense amino acid change from alanine to proline. (I) 0251 - This variant is heterozygous. (I) 0301 - Variant is absent from gnomAD (both v2 and v3). (SP) 0502 - Missense variant with conflicting in silico predictions and uninformative conservation. (I) 0600 - Variant is located in the annotated AAA6 domain (UniProt). (I) 0705 - No comparable missense variants have previous evidence for pathogenicity. (I) 0803 - This variant has limited previous evidence of pathogenicity in an unrelated individual. This variant was reported in a compound heterozygous state with a pathogenic variant in an individual with primary ciliary dyskinesia without situs inversus (PMID: 22184204). (SP) 0905 - No published segregation evidence has been identified for this variant. (I) 1007 - No published functional evidence has been identified for this variant. (I) 1201 - Heterozygous variant detected in trans with a second pathogenic heterozygous variant (NM_001277115.1(DNAH11):c.3910delC; p.(Arg1304Valfs*13)) in a recessive disease. (I) Legend: (SP) - Supporting pathogenic, (I) - Information, (SB) - Supporting benign

Literature cited by the submitters: PubMed 22184204.

NM_001277115.2(DNAH11):c.12064G>C (p.Ala4022Pro)

Gene: DNAH11 (dynein axonemal heavy chain 11; plus strand). Cytogenetic location: 7p15.3.
Variant type: single nucleotide variant.
Coding change: c.12064G>C on transcript NM_001277115.2 (MANE Select); coding-DNA position 12064, G replaced by C.
Protein change: p.Ala4022Pro; replaces alanine 4022 with proline.
Molecular consequence: missense variant.
Genome position (GRCh38, 1-based): chr7:21,873,370, G>C. VCF-style: chr7-21873370-G-C. GRCh37 (hg19) VCF-style: chr7-21912988-G-C.
Other names: c.12085G>C, p.Ala4029Pro (NM_003777.3); short protein forms A4022P, A4029P.
Identifiers: ClinVar variation 1804935 (VCV001804935.1), dbSNP rs72658819, ClinGen allele CA155148973.